The following is an entry in ClinVar:

NM_199420.4(POLQ):c.5158C>T (p.Leu1720Phe)

Gene: POLQ (DNA polymerase theta; minus strand). Cytogenetic location: 3q13.33.
Variant type: single nucleotide variant.
Coding change: c.5158C>T on transcript NM_199420.4 (MANE Select); coding-DNA position 5158, C replaced by T.
Protein change: p.Leu1720Phe; replaces leucine 1720 with phenylalanine.
Molecular consequence: missense variant.
Genome position (GRCh38, 1-based): chr3:121,487,773, G>A on the plus strand (C>T on the coding strand, the complement: POLQ is on the minus strand). VCF-style: chr3-121487773-G-A. GRCh37 (hg19) VCF-style: chr3-121206620-G-A.
Other names: short protein forms L1720F.
Identifiers: ClinVar variation 1048934 (VCV001048934.6), dbSNP rs139982859, ClinGen allele CA2562780.

ClinVar aggregate classification (germline): Uncertain significance. Review status: criteria provided, single submitter (1 of 4 stars). 3 submissions from 3 submitters: Uncertain significance (1). 2 of the submissions do not count toward it. Last evaluated 2024-09-04.

Conditions:
POLQ-related disorder. Also called: POLQ-related condition.

Allele frequency attached by ClinVar (database versions not stated): 1000 Genomes Project 30x 0.00047; 1000 Genomes Project 0.00060; TOPMed 0.00084; ESP Exome Variant Server 0.00115; gnomAD 0.00153 and 0.00160; ExAC 0.00194.
gnomAD v4.1: 2,031 of 1,611,702 alleles (0.13%); highest among the groups gnomAD compares: Non-Finnish European, 0.13%; 3 homozygotes.

Submissions (3):

Ambry Genetics
Classification: Uncertain significance. Last evaluated: 2024-09-04. Review status: criteria provided, single submitter. Criteria: Ambry Variant Classification Scheme 2023. Collection method: clinical testing. Allele origin: germline.
Comment: The p.L1720F variant (also known as c.5158C>T), located in coding exon 16 of the POLQ gene, results from a C to T substitution at nucleotide position 5158. The leucine at codon 1720 is replaced by phenylalanine, an amino acid with highly similar properties. This amino acid position is conserved. In addition, this alteration is predicted to be tolerated by in silico analysis. Since supporting evidence is limited at this time, the clinical significance of this alteration remains unclear.

PreventionGenetics, part of Exact Sciences
Classification: Likely benign for POLQ-related condition. Last evaluated: 2019-10-28. Review status: no assertion criteria provided. Collection method: clinical testing. Allele origin: germline. Not counted in ClinVar's aggregate classification.
Comment: This variant is classified as likely benign based on ACMG/AMP sequence variant interpretation guidelines (Richards et al. 2015 PMID: 25741868, with internal and published modifications).

Department of Pathology and Laboratory Medicine, Sinai Health System
Classification: Likely benign. Review status: no assertion criteria provided. Collection method: clinical testing. Allele origin: unknown. Affected: yes. Study: The Canadian Open Genetics Repository (COGR). Not counted in ClinVar's aggregate classification.
Comment: The POLQ p.Leu1720Phe variant was not identified in the literature nor was it identified in ClinVar, Cosmic or LOVD 3.0. The variant was identified in dbSNP (ID: rs139982859) and in control databases in 514 of 280978 chromosomes (1 homozygous) at a frequency of 0.001829 increasing the likelihood this could be a low frequency benign variant (Genome Aggregation Database Feb 27, 2017). The variant was observed in the following populations: European (Finnish) in 146 of 24954 chromosomes (freq: 0.005851), European (non-Finnish) in 335 of 128436 chromosomes (freq: 0.002608), Other in 18 of 7166 chromosomes (freq: 0.002512), Ashkenazi Jewish in 12 of 10322 chromosomes (freq: 0.001163) and African in 3 of 24948 chromosomes (freq: 0.00012), but was not observed in the Latino, East Asian or South Asian populations. The p.Leu1720 residue is not conserved in mammals and computational analyses (PolyPhen-2, SIFT, AlignGVGD, BLOSUM, MutationTaster) do not suggest a high likelihood of impact to the protein; however, this information is not predictive enough to rule out pathogenicity. The variant occurs outside of the splicing consensus sequence and in silico or computational prediction software programs (SpliceSiteFinder, MaxEntScan, NNSPLICE, GeneSplicer) do not predict a difference in splicing. In summary, based on the above information the clinical significance of this variant cannot be determined with certainty at this time although we would lean towards a more benign role for this variant. This variant is classified as likely benign.